The following is an entry in ClinVar:

NM_000719.7(CACNA1C):c.1618A>G (p.Thr540Ala)

Gene: CACNA1C (calcium voltage-gated channel subunit alpha1 C; plus strand). Cytogenetic location: 12p13.33.
Variant type: single nucleotide variant.
Coding change: c.1618A>G on transcript NM_000719.7 (MANE Select); coding-DNA position 1618, A replaced by G.
Protein change: p.Thr540Ala; replaces threonine 540 with alanine.
Molecular consequence: missense variant.
Genome position (GRCh38, 1-based): chr12:2,566,531, A>G. VCF-style: chr12-2566531-A-G. GRCh37 (hg19) VCF-style: chr12-2675697-A-G.
Other names: c.1618A>G, p.Thr540Ala (NM_001129827.2, NM_001129829.2, NM_001129830.3 and 18 more transcripts); c.1609A>G, p.Thr537Ala (NM_001129844.2); short protein forms T537A, T540A.
Identifiers: ClinVar variation 1776527 (VCV001776527.2), dbSNP rs1418115666, ClinGen allele CA383368619.

ClinVar aggregate classification (germline): Uncertain significance (1 of 4 stars; one submission).

Conditions:
Cardiovascular phenotype. Identifiers: MedGen CN230736.

Allele frequency attached by ClinVar (database versions not stated): gnomAD exomes below 0.00001.
gnomAD v4.1: 2 of 1,597,232 alleles (0.00013%); highest among the groups gnomAD compares: Admixed American, 0.0034%; no homozygotes.

Submission:

Ambry Genetics
Classification: Uncertain significance for Cardiovascular phenotype. Last evaluated: 2020-07-24. Review status: criteria provided, single submitter. Criteria: Ambry Variant Classification Scheme 2023. Collection method: clinical testing. Allele origin: germline.
Comment: The p.T540A variant (also known as c.1618A>G), located in coding exon 12 of the CACNA1C gene, results from an A to G substitution at nucleotide position 1618. The threonine at codon 540 is replaced by alanine, an amino acid with similar properties. This amino acid position is highly conserved in available vertebrate species. In addition, this alteration is predicted to be deleterious by in silico analysis. Since supporting evidence is limited at this time, the clinical significance of this alteration remains unclear.